The following is an entry in ClinVar:

NM_000352.6(ABCC8):c.1634del (p.Phe545fs)

Gene: ABCC8 (ATP binding cassette subfamily C member 8; minus strand). Cytogenetic location: 11p15.1.
Variant type: Deletion.
Coding change: c.1634del on transcript NM_000352.6 (MANE Select); coding-DNA position 1634, one base deleted (T; older notation c.1634delT).
Protein change: p.Phe545fs; shifts the reading frame from phenylalanine 545.
Molecular consequence: frameshift variant. On other transcripts: non-coding transcript variant (1).
Genome position (GRCh38, 1-based): chr11:17,432,241, A deleted on the plus strand (T on the coding strand, the reverse complement: ABCC8 is on the minus strand); the first of 4 consecutive A bases (chr11:17,432,241-17,432,244); deleting any one gives the same sequence. VCF-style (leftmost placement, unchanged base first): chr11-17432240-GA-G. GRCh37 (hg19) VCF-style: chr11-17453787-GA-G.
Other names: NM_000352.6(ABCC8):c.1634del; p.Phe545fs; c.1634delT (NM_000352.3); c.1634del, p.Phe545fs (NM_001287174.3, NM_001351295.2); c.1631del, p.Phe544fs (NM_001351296.2, NM_001351297.2); short protein forms F544fs, F545fs.
Identifiers: ClinVar variation 446765 (VCV000446765.15), dbSNP rs1260178539, ClinGen allele CA473303010.

ClinVar aggregate classification (germline): Pathogenic. Review status: criteria provided, multiple submitters, no conflicts (2 of 4 stars). 10 submissions from 9 submitters: Pathogenic (6). 4 of the submissions do not count toward it. Last evaluated 2024-05-07.

Conditions:
Inborn genetic diseases. Identifiers: MedGen C0950123, MeSH D030342.
Type 2 diabetes mellitus. Also called: Type II diabetes mellitus. Identifiers: MedGen C0011860, MeSH D003924, MONDO:0005148, OMIM 125853, HP:0005978.
Hereditary hyperinsulinism.
Maturity-onset diabetes of the young (MODY). Also called: Maturity onset diabetes mellitus in young. Identifiers: Orphanet 552, MedGen C0342276, MONDO:0018911, HP:0004904.
Familial hyperinsulinism. Also called: Congenital hyperinsulinism. Identifiers: Orphanet 276525, MedGen C3888018, MONDO:0017182. Disease mechanism: loss of function.
Neonatal diabetes mellitus (NDM). Identifiers: Orphanet 224, MedGen C0158981, MONDO:0016391.
Hyperinsulinemic hypoglycemia, familial, 1 (HHF1). Also called: Persistent hyperinsulinemic hypoglycemia of infancy; Persistent Hyperinsulinemia Hypoglycemia of Infancy; HYPERINSULINISM, FAMILIAL, WITH PANCREATIC NESIDIOBLASTOSIS; HYPOGLYCEMIA, HYPERINSULINEMIC, OF INFANCY; NESIDIOBLASTOSIS OF PANCREAS. Identifiers: Orphanet 276575, Orphanet 276598, MedGen C2931832, MONDO:0009734, OMIM 256450.

Submissions (10):

Labcorp Genetics (formerly Invitae), Labcorp
Classification: Pathogenic. Last evaluated: 2024-05-07. Review status: criteria provided, single submitter. Criteria: Invitae Variant Classification Sherloc (09022015). Collection method: clinical testing. Allele origin: germline.
Comment: This sequence change creates a premature translational stop signal (p.Phe545Serfs*2) in the ABCC8 gene. It is expected to result in an absent or disrupted protein product. Loss-of-function variants in ABCC8 are known to be pathogenic (PMID: 20685672, 23345197). The frequency data for this variant in the population databases is considered unreliable, as metrics indicate poor data quality at this position in the gnomAD database. This premature translational stop signal has been observed in individual(s) with focal congenital hyperinsulinism (PMID: 16357843). This variant is also known as 1631del t. ClinVar contains an entry for this variant (Variation ID: 446765). For these reasons, this variant has been classified as Pathogenic.

Broad Center for Mendelian Genomics, Broad Institute of MIT and Harvard
Classification: Pathogenic for Hyperinsulinemic hypoglycemia, familial, 1. Last evaluated: 2023-08-16. Review status: criteria provided, single submitter. Criteria: ACMG Guidelines, 2015. Collection method: curation. Allele origin: germline. Inheritance: Autosomal recessive inheritance.
Comment: The p.Phe545SerfsTer2 variant in ABCC8 has been previously reported in at least 2 individuals with hyperinsulinemic hypoglycemia (PMID: 16357843, 23275527), and has been identified in 0.002% (1/24796) of Latino/Admixed American chromosomes by the Genome Aggregation Database (gnomAD; dbSNP ID: rs1260178539). Although this variant has been seen in the general population in a heterozygous state, its frequency is low enough to be consistent with a recessive carrier frequency. This variant has also been reported in ClinVar (Variation ID#: 446765) and has been interpreted as pathogenic by five sources. Of the 2 affected individuals, 1 was a compound heterozygote that carried a reported pathogenic variant in trans, which increases the likelihood that the p.Phe545SerfsTer2 variant is pathogenic (PMID: 16357843). This variant is predicted to cause a frameshift, which alters the protein’s amino acid sequence beginning at position 545 and leads to a premature termination codon 2 amino acids downstream. This alteration is then predicted to lead to a truncated or absent protein. Loss of function of the ABCC8 gene is an established disease mechanism in autosomal recessive hyperinsulinemic hypoglycemia. In summary, this variant meets criteria to be classified as pathogenic for autosomal recessive hyperinsulinemic hypoglycemia. ACMG/AMP Criteria applied: PVS1, PM3, PM2_supporting (Richards 2015).

Baylor Genetics
Classification: Pathogenic for Type 2 diabetes mellitus. Last evaluated: 2023-06-17. Review status: criteria provided, single submitter. Criteria: ACMG Guidelines, 2015. Collection method: clinical testing. Allele origin: unknown.

Women's Health and Genetics/Laboratory Corporation of America, LabCorp
Classification: Pathogenic for Familial hyperinsulinism. Last evaluated: 2021-06-28. Review status: criteria provided, single submitter. Criteria: LabCorp Variant Classification Summary - May 2015. Collection method: clinical testing. Allele origin: germline.
Comment: Variant summary: ABCC8 c.1634delT (p.Phe545SerfsX2) results in a premature termination codon, predicted to cause a truncation of the encoded protein or absence of the protein due to nonsense mediated decay, which are commonly known mechanisms for disease. The variant allele was found at a frequency of 6.3e-06 in 157950 control chromosomes (gnomAD). c.1634delT has been reported in the literature in individuals affected with Congenital Hyperinsulinism (example: Suchi_2006, Snider_2013). These data indicate that the variant may be associated with disease. To our knowledge, no experimental evidence demonstrating an impact on protein function has been reported. Two ClinVar submitters (evaluation after 2014) cite the variant as pathogenic. Based on the evidence outlined above, the variant was classified as pathogenic.

Ambry Genetics
Classification: Pathogenic for Inborn genetic diseases. Last evaluated: 2020-11-23. Review status: criteria provided, single submitter. Criteria: Ambry Variant Classification Scheme 2023. Collection method: clinical testing. Allele origin: germline.
Comment: The c.1634delT (p.F545Sfs*2) alteration, located in exon 11 (coding exon 11) of the ABCC8 gene, consists of a deletion of one nucleotide at position 1634, causing a translational frameshift with a predicted alternate stop codon after 2 amino acids. This alteration is expected to result in loss of function by premature protein truncation or nonsense-mediated mRNA decay. Based on the supporting evidence, this variant is unlikely to be causative of ABCC8-related diabetes mellitus; however, it would be expected to be causative of familial hyperinsulinemic hypoglycemia based on mechanism of disease. This mutation was identified in a cohort of individuals with congenital hyperinsulinism; however, details were limited (Snider, 2013). Based on the available evidence, this alteration is classified as pathogenic.

Athena Diagnostics
Classification: Pathogenic. Last evaluated: 2018-05-10. Review status: criteria provided, single submitter. Criteria: Athena Diagnostics Criteria. Collection method: clinical testing. Allele origin: germline.

Natera, Inc.
Classification: Pathogenic for Hereditary hyperinsulinism. Last evaluated: 2021-08-23. Review status: no assertion criteria provided. Collection method: clinical testing. Allele origin: germline. Not counted in ClinVar's aggregate classification.

Counsyl
Classification: Pathogenic for Hyperinsulinemic hypoglycemia, familial, 1. Last evaluated: 2017-08-22. Review status: no assertion criteria provided. Collection method: clinical testing. Allele origin: unknown. Not counted in ClinVar's aggregate classification.

Clinical Genomics, Uppaluri K&H Personalized Medicine Clinic
Classification: Uncertain risk allele for Neonatal diabetes mellitus. Last evaluated: 2024-05-27. Review status: flagged submission. Criteria: K And H Uppaluri Personalized Medicine Clinic Variant Classification And Assertion Criteria Updated V 2. Collection method: research. Allele origin: unknown. Not counted in ClinVar's aggregate classification.
Comment: This variant is found to be a potent moderate impact, variant with a sufficient scientific evidence of gene-disease correlation. However, since this is not a high impact variant and no variant evidence, this variant is reclassified as Uncertain risk allele.
ClinVar note: Reason: Outlier claim with insufficient supporting evidence

Clinical Genomics, Uppaluri K&H Personalized Medicine Clinic
Classification: Uncertain risk allele for Maturity-onset diabetes of the young. Last evaluated: 2024-05-27. Review status: flagged submission. Criteria: K And H Uppaluri Personalized Medicine Clinic Variant Classification And Assertion Criteria Updated V 2. Collection method: research. Allele origin: unknown. Not counted in ClinVar's aggregate classification.
Comment: This variant is found to be a potent moderate impact variant with a sufficient scientific evidence to support gene-disease correlation. However, since this is not a high impact variant and has no variant evidence, this variant is reclassified as Uncertain Risk Allele
ClinVar note: Reason: Outlier claim with insufficient supporting evidence

Literature cited by the submitters: PubMed 20685672 (cited by Labcorp Genetics (formerly Invitae), Labcorp); PubMed 23345197 (cited by Labcorp Genetics (formerly Invitae), Labcorp); PubMed 16357843 (cited by 3 submitters); PubMed 23275527 (cited by 4 submitters); PubMed 32376986 (cited by Clinical Genomics, Uppaluri K&H Personalized Medicine Clinic); PubMed 20922570 (cited by Clinical Genomics, Uppaluri K&H Personalized Medicine Clinic); PubMed 17389331 (cited by Clinical Genomics, Uppaluri K&H Personalized Medicine Clinic); PubMed 17919176 (cited by Clinical Genomics, Uppaluri K&H Personalized Medicine Clinic); PubMed 21738553 (cited by Clinical Genomics, Uppaluri K&H Personalized Medicine Clinic); PubMed 33013711 (cited by Clinical Genomics, Uppaluri K&H Personalized Medicine Clinic); PubMed 31216263 (cited by Clinical Genomics, Uppaluri K&H Personalized Medicine Clinic); PubMed 38095268 (cited by Clinical Genomics, Uppaluri K&H Personalized Medicine Clinic); PubMed 38513803 (cited by Clinical Genomics, Uppaluri K&H Personalized Medicine Clinic).